The following is an entry in ClinVar:

ClinVar aggregate classification (germline): Uncertain significance (1 of 4 stars; one submission).

Conditions:
Holoprosencephaly sequence (HPE). Also called: Holoprosencephaly. Identifiers: Orphanet 2162, MedGen C0079541, MONDO:0016296, HP:0001360.

Submission:

Muenke lab, National Institutes of Health
Classification: Uncertain significance for Holoprosencephaly sequence. Last evaluated: 2018-04-20. Review status: criteria provided, single submitter. Criteria: Submitter's publication. Collection method: research. Allele origin: paternal, not applicable. Inheritance: Autosomal dominant inheritance. Affected: yes. Observed: 1 variant allele, 1 heterozygote.
Comment: Functional studies confirmed that the SHH variant was normal and that digenic inheritance was not supported by the experimental findings. Note that the experimental and ACMG predictions conflict: (BS3 in zebrafish) ACMG PM1/PM2;PP2/PP3.

NM_000193.4(SHH):c.468C>A (p.Ser156Arg)

Gene: SHH (sonic hedgehog signaling molecule; minus strand). Cytogenetic location: 7q36.3.
Variant type: single nucleotide variant.
Coding change: c.468C>A on transcript NM_000193.4 (MANE Select); coding-DNA position 468, C replaced by A.
Protein change: p.Ser156Arg; replaces serine 156 with arginine.
Molecular consequence: missense variant. On other transcripts: non-coding transcript variant (2).
Genome position (GRCh38, 1-based): chr7:155,806,390, G>T on the plus strand (C>A on the coding strand, the complement: SHH is on the minus strand). VCF-style: chr7-155806390-G-T. GRCh37 (hg19) VCF-style: chr7-155599084-G-T.
Other names: c.207C>A, p.Ser69Arg (NM_001310462.2); short protein forms S156R, S69R.
Identifiers: ClinVar variation 545462 (VCV000545462.3), dbSNP rs1554494372, ClinGen allele CA370148353.